The following is an entry in ClinVar:

NM_005120.3(MED12):c.5026-17T>C

Gene: MED12 (mediator complex subunit 12; plus strand). Cytogenetic location: Xq13.1.
Variant type: single nucleotide variant.
Coding change: c.5026-17T>C on transcript NM_005120.3 (MANE Select); 17 bases into the intron before coding-DNA position 5026, T replaced by C.
Molecular consequence: intron variant.
Genome position (GRCh38, 1-based): chrX:71,136,264, T>C. VCF-style: chrX-71136264-T-C. GRCh37 (hg19) VCF-style: chrX-70356114-T-C.
Identifiers: ClinVar variation 514838 (VCV000514838.1), dbSNP rs1556338729, ClinGen allele CA658799790.

ClinVar aggregate classification (germline): Likely benign (1 of 4 stars; one submission).

Submission:

GeneDx
Classification: Likely benign. Last evaluated: 2018-01-16. Review status: criteria provided, single submitter. Criteria: GeneDx Variant Classification (06012015). Collection method: clinical testing. Allele origin: germline. Affected: yes.
Comment: This variant is considered likely benign or benign based on one or more of the following criteria: it is a conservative change, it occurs at a poorly conserved position in the protein, it is predicted to be benign by multiple in silico algorithms, and/or has population frequency not consistent with disease.